The following is an entry in ClinVar:

ClinVar aggregate classification (germline): Uncertain significance (1 of 4 stars; one submission).

Conditions:
Charcot-Marie-Tooth disease type 4. Also called: Charcot-Marie-Tooth, Type 4; Charcot-Marie-Tooth disease, type IV. Identifiers: Orphanet 64749, MedGen C4082197, MONDO:0018995.

Allele frequency attached by ClinVar (database versions not stated): gnomAD exomes 0.00001 and 0.00002; TOPMed 0.00001; gnomAD 0.00002.
gnomAD v4.1: 15 of 1,614,116 alleles (0.00093%); highest among the groups gnomAD compares: South Asian, 0.0055%; no homozygotes.

Submission:

Labcorp Genetics (formerly Invitae), Labcorp
Classification: Uncertain significance for Charcot-Marie-Tooth disease type 4. Last evaluated: 2018-02-28. Review status: criteria provided, single submitter. Criteria: Invitae Variant Classification Sherloc (09022015). Collection method: clinical testing. Allele origin: germline.
Comment: In summary, this variant is a novel missense change with uncertain impact on protein function. It has been classified as a Variant of Uncertain Significance. Algorithms developed to predict the effect of missense changes on protein structure and function (SIFT, PolyPhen-2, Align-GVGD) all suggest that this variant is likely to be disruptive, but these predictions have not been confirmed by published functional studies. This variant is not present in population databases (ExAC no frequency) and has not been reported in the literature in individuals with a FGD4-related disease. This sequence change replaces isoleucine with valine at codon 416 of the FGD4 protein (p.Ile416Val). The isoleucine residue is highly conserved and there is a small physicochemical difference between isoleucine and valine.

NM_001370298.3(FGD4):c.1657A>G (p.Ile553Val)

Gene: FGD4 (FYVE, RhoGEF and PH domain containing 4; plus strand). Cytogenetic location: 12p11.21.
Variant type: single nucleotide variant.
Coding change: c.1657A>G on transcript NM_001370298.3 (MANE Select); coding-DNA position 1657, A replaced by G.
Protein change: p.Ile553Val; replaces isoleucine 553 with valine.
Molecular consequence: missense variant.
Genome position (GRCh38, 1-based): chr12:32,611,191, A>G. VCF-style: chr12-32611191-A-G. GRCh37 (hg19) VCF-style: chr12-32764125-A-G.
Other names: c.1501A>G, p.Ile501Val (NM_001304481.2); c.502A>G, p.Ile168Val (NM_001304483.2); c.214A>G, p.Ile72Val (NM_001304484.2); c.967A>G, p.Ile323Val (NM_001330373.2, NM_001330374.2, NM_001384130.1); c.694A>G, p.Ile232Val (NM_001370297.1); c.1657A>G, p.Ile553Val (NM_001384126.1); c.1246A>G, p.Ile416Val (NM_001384127.1, NM_001384128.1, NM_001385118.1 and 1 more transcripts); short protein forms I416V, I501V, I168V, I232V, I323V, I72V, I553V.
Identifiers: ClinVar variation 408260 (VCV000408260.8), dbSNP rs1060501903, ClinGen allele CA16614114.
Genomic context (GRCh38, chr12:32,611,191, plus strand): 5'-TCCTAGGAGAACCTAAAGAAACTCTTAGAGATTTATGAAATGTTGGGAGAAGAAGAAGAC[A>G]TTGTAAACCCTTCAAATGAACTAATAAAAGAAGGACAGATCCTCAAACTAGCTGCTCGGA-3'
Protein context (NP_001357227.2, residues 543-563): IYEMLGEEED[Ile553Val]VNPSNELIKE